The following is an entry in ClinVar:

ClinVar aggregate classification (germline): Uncertain significance. Review status: criteria provided, multiple submitters, no conflicts (2 of 4 stars). 2 submissions from 2 submitters: Uncertain significance (2). Last evaluated 2025-09-05.

Conditions:
T-cell immunodeficiency, congenital alopecia, and nail dystrophy. Also called: Congenital alopecia and nail dystrophy associated with severe functional T-cell immunodeficiency; Pignata Guarino syndrome. Identifiers: Orphanet 169095, MedGen C1866426, MONDO:0011132, OMIM 601705.
Inborn genetic diseases. Identifiers: MedGen C0950123, MeSH D030342.

Allele frequency attached by ClinVar (database versions not stated): ESP Exome Variant Server 0.00008; gnomAD 0.00009; TOPMed 0.00016.
gnomAD v4.1: 121 of 1,612,940 alleles (0.0075%); highest among the groups gnomAD compares: Admixed American, 0.017%; no homozygotes.

Submissions (2):

Ambry Genetics
Classification: Uncertain significance for Inborn genetic diseases. Last evaluated: 2025-09-05. Review status: criteria provided, single submitter. Criteria: Ambry Variant Classification Scheme 2023. Collection method: clinical testing. Allele origin: germline.

Labcorp Genetics (formerly Invitae), Labcorp
Classification: Uncertain significance for T-cell immunodeficiency, congenital alopecia, and nail dystrophy. Last evaluated: 2024-12-31. Review status: criteria provided, single submitter. Criteria: Invitae Variant Classification Sherloc (09022015). Collection method: clinical testing. Allele origin: germline.
Comment: This sequence change replaces valine, which is neutral and non-polar, with isoleucine, which is neutral and non-polar, at codon 11 of the FOXN1 protein (p.Val11Ile). This variant is present in population databases (rs375839642, gnomAD 0.006%). This variant has not been reported in the literature in individuals affected with FOXN1-related conditions. ClinVar contains an entry for this variant (Variation ID: 2197626). An algorithm developed to predict the effect of missense changes on protein structure and function outputs the following: PolyPhen-2: "Benign". The isoleucine amino acid residue is found in multiple mammalian species, which suggests that this missense change does not adversely affect protein function. In summary, the available evidence is currently insufficient to determine the role of this variant in disease. Therefore, it has been classified as a Variant of Uncertain Significance.

NM_001369369.1(FOXN1):c.31G>A (p.Val11Ile)

Gene: FOXN1 (forkhead box N1; plus strand). Cytogenetic location: 17q11.2.
Variant type: single nucleotide variant.
Coding change: c.31G>A on transcript NM_001369369.1 (MANE Select); coding-DNA position 31, G replaced by A.
Protein change: p.Val11Ile; replaces valine 11 with isoleucine.
Molecular consequence: missense variant.
Genome position (GRCh38, 1-based): chr17:28,524,000, G>A. VCF-style: chr17-28524000-G-A. GRCh37 (hg19) VCF-style: chr17-26851018-G-A.
Other names: c.31G>A, p.Val11Ile (NM_003593.3); short protein forms V11I.
Identifiers: ClinVar variation 2197626 (VCV002197626.3), dbSNP rs375839642, ClinGen allele CA8459120.